The following is an entry in ClinVar:

ClinVar aggregate classification (germline): Pathogenic (1 of 4 stars; one submission).

Conditions:
Hereditary cancer-predisposing syndrome. Also called: Neoplastic Syndromes, Hereditary; Tumor predisposition; Hereditary Cancer Syndrome; Hereditary neoplastic syndrome. Identifiers: Orphanet 140162, MedGen C0027672, MeSH D009386, MONDO:0015356.

Submission:

Ambry Genetics
Classification: Pathogenic for Hereditary cancer-predisposing syndrome. Last evaluated: 2025-11-05. Review status: criteria provided, single submitter. Criteria: Ambry Variant Classification Scheme 2023. Collection method: clinical testing. Allele origin: germline.
Comment: The p.E955* pathogenic mutation (also known as c.2863G>T), located in coding exon 21 of the MSH3 gene, results from a G to T substitution at nucleotide position 2863. This changes the amino acid from a glutamic acid to a stop codon within coding exon 21. This variant is considered to be rare based on population cohorts in the Genome Aggregation Database (gnomAD). This alteration is expected to result in loss of function by premature protein truncation or nonsense-mediated mRNA decay. As such, this alteration is interpreted as a disease-causing mutation.

NM_002439.5(MSH3):c.2863G>T (p.Glu955Ter)

Gene: MSH3 (mutS homolog 3; plus strand). Cytogenetic location: 5q14.1.
Variant type: single nucleotide variant.
Coding change: c.2863G>T on transcript NM_002439.5 (MANE Select); coding-DNA position 2863, G replaced by T.
Protein change: p.Glu955Ter; replaces glutamic acid 955 with a stop codon.
Molecular consequence: nonsense.
Genome position (GRCh38, 1-based): chr5:80,854,179, G>T. VCF-style: chr5-80854179-G-T. GRCh37 (hg19) VCF-style: chr5-80149998-G-T.
Other names: short protein forms E955*.
Identifiers: ClinVar variation 4654593 (VCV004654593.1).
Genomic context (GRCh38, chr5:80,854,179, plus strand): 5'-CTTGCTTGTAGGATGGGTGCTGCAGACAATATATATAAAGGACAGAGTACATTTATGGAA[G>T]AACTGACTGACACAGCAGAAATAATCAGAAAAGCAACATCACAGTCCTTGGTTATCTTGG-3'